The following is an entry in ClinVar:

NM_000540.3(RYR1):c.12968T>C (p.Leu4323Pro)

Gene: RYR1 (ryanodine receptor 1; plus strand). Cytogenetic location: 19q13.2.
Variant type: single nucleotide variant.
Coding change: c.12968T>C on transcript NM_000540.3 (MANE Select); coding-DNA position 12968, T replaced by C.
Protein change: p.Leu4323Pro; replaces leucine 4323 with proline.
Molecular consequence: missense variant.
Genome position (GRCh38, 1-based): chr19:38,565,302, T>C. VCF-style: chr19-38565302-T-C. GRCh37 (hg19) VCF-style: chr19-39055942-T-C.
Other names: c.12953T>C, p.Leu4318Pro (NM_001042723.2); short protein forms L4318P, L4323P.
Identifiers: ClinVar variation 4753800 (VCV004753800.1).

ClinVar aggregate classification (germline): Uncertain significance (1 of 4 stars; one submission).

Conditions:
RYR1-related disorder. Also called: RYR1-related condition; RYR1-related disorders. Identifiers: MedGen CN239331.

Submission:

Labcorp Genetics (formerly Invitae), Labcorp
Classification: Uncertain significance for RYR1-related disorder. Last evaluated: 2025-12-30. Review status: criteria provided, single submitter. Criteria: Invitae Variant Classification Sherloc (09022015). Collection method: clinical testing. Allele origin: germline.
Comment: This sequence change replaces leucine, which is neutral and non-polar, with proline, which is neutral and non-polar, at codon 4323 of the RYR1 protein (p.Leu4323Pro). This variant is not present in population databases (gnomAD no frequency). This variant has not been reported in the literature in individuals affected with RYR1-related conditions. Invitae Evidence Modeling of protein sequence and biophysical properties (such as structural, functional, and spatial information, amino acid conservation, physicochemical variation, residue mobility, and thermodynamic stability) indicates that this missense variant is not expected to disrupt RYR1 protein function with a negative predictive value of 80%. In summary, the available evidence is currently insufficient to determine the role of this variant in disease. Therefore, it has been classified as a Variant of Uncertain Significance.